The following is an entry in ClinVar:

NM_033380.3(COL4A5):c.3246+3A>C

Gene: COL4A5 (collagen type IV alpha 5 chain; plus strand). Cytogenetic location: Xq22.3.
Variant type: single nucleotide variant.
Coding change: c.3246+3A>C on transcript NM_033380.3 (MANE Select); 3 bases into the intron after coding-DNA position 3246, A replaced by C.
Molecular consequence: intron variant.
Genome position (GRCh38, 1-based): chrX:108,626,352, A>C. VCF-style: chrX-108626352-A-C. GRCh37 (hg19) VCF-style: chrX-107869582-A-C.
Other names: c.3246+3A>C (NM_000495.5).
Identifiers: ClinVar variation 1353236 (VCV001353236.6), dbSNP rs2147873531, ClinGen allele CA2573159108.

ClinVar aggregate classification (germline): Uncertain significance (1 of 4 stars; one submission).

Submission:

Labcorp Genetics (formerly Invitae), Labcorp
Classification: Uncertain significance. Last evaluated: 2021-03-24. Review status: criteria provided, single submitter. Criteria: Invitae Variant Classification Sherloc (09022015). Collection method: clinical testing. Allele origin: germline.
Comment: This sequence change falls in intron 36 of the COL4A5 gene. It does not directly change the encoded amino acid sequence of the COL4A5 protein. It affects a nucleotide within the consensus splice site of the intron. This variant is not present in population databases (ExAC no frequency). In summary, the available evidence is currently insufficient to determine the role of this variant in disease. Therefore, it has been classified as a Variant of Uncertain Significance. Nucleotide substitutions within the consensus splice site are a relatively common cause of aberrant splicing (PMID: 17576681, 9536098). Algorithms developed to predict the effect of sequence changes on RNA splicing suggest that this variant may disrupt the consensus splice site, but this prediction has not been confirmed by published transcriptional studies. This variant has not been reported in the literature in individuals with COL4A5-related conditions.

Literature cited by the submitters: PubMed 17576681; PubMed 9536098.